The following is an entry in ClinVar:

ClinVar aggregate classification (germline): Uncertain significance. Review status: criteria provided, multiple submitters, no conflicts (2 of 4 stars). 3 submissions from 3 submitters: Uncertain significance (3). Last evaluated 2024-01-04.

Conditions:
Cone-rod dystrophy 7 (CORD7). Identifiers: Orphanet 1872, MedGen C1863634, MONDO:0011355, OMIM 603649.

Allele frequency attached by ClinVar (database versions not stated): ExAC 0.00001; gnomAD exomes 0.00001; TOPMed 0.00001.
gnomAD v4.1: 18 of 1,613,370 alleles (0.0011%); highest among the groups gnomAD compares: East Asian, 0.0022%; no homozygotes.

Submissions (3):

Labcorp Genetics (formerly Invitae), Labcorp
Classification: Uncertain significance. Last evaluated: 2024-01-04. Review status: criteria provided, single submitter. Criteria: Invitae Variant Classification Sherloc (09022015). Collection method: clinical testing. Allele origin: germline.
Comment: This sequence change replaces arginine, which is basic and polar, with cysteine, which is neutral and slightly polar, at codon 966 of the RIMS1 protein (p.Arg966Cys). This variant is present in population databases (rs764444309, gnomAD 0.006%). This missense change has been observed in individual(s) with autism spectrum disorder (PMID: 28191889). ClinVar contains an entry for this variant (Variation ID: 930473). An algorithm developed to predict the effect of missense changes on protein structure and function (PolyPhen-2) suggests that this variant is likely to be disruptive. In summary, the available evidence is currently insufficient to determine the role of this variant in disease. Therefore, it has been classified as a Variant of Uncertain Significance.

Blueprint Genetics
Classification: Uncertain significance. Last evaluated: 2022-01-28. Review status: criteria provided, single submitter. Criteria: ACMG Guidelines, 2015. Collection method: clinical testing. Allele origin: germline.

Centre for Mendelian Genomics, University Medical Centre Ljubljana
Classification: Uncertain significance for Cone-rod dystrophy 7. Last evaluated: 2019-04-09. Review status: criteria provided, single submitter. Criteria: ACMG Guidelines, 2015. Collection method: clinical testing. Allele origin: unknown. Affected: yes.
Comment: This variant was classified as: Uncertain significance. The available evidence favors the pathogenic nature of this variant, however the currently available data is insufficient to conclusively support its pathogenic nature. Thus this variant is classified as Uncertain significance - favor pathogenic. The following ACMG criteria were applied in classifying this variant: PP3.

Literature cited by the submitters: PubMed 28191889 (cited by Labcorp Genetics (formerly Invitae), Labcorp).

NM_014989.7(RIMS1):c.2896C>T (p.Arg966Cys)

Gene: RIMS1 (regulating synaptic membrane exocytosis 1; plus strand). Cytogenetic location: 6q13.
Variant type: single nucleotide variant.
Coding change: c.2896C>T on transcript NM_014989.7 (MANE Select); coding-DNA position 2896, C replaced by T.
Protein change: p.Arg966Cys; replaces arginine 966 with cysteine.
Molecular consequence: missense variant.
Genome position (GRCh38, 1-based): chr6:72,258,250, C>T. VCF-style: chr6-72258250-C-T. GRCh37 (hg19) VCF-style: chr6-72967953-C-T.
Other names: c.1315C>T, p.Arg439Cys (NM_001168407.2, NM_001350415.2, NM_001350418.2 and 19 more transcripts); c.1318C>T, p.Arg440Cys (NM_001168408.2, NM_001350414.2, NM_001350416.2 and 15 more transcripts); c.1075C>T, p.Arg359Cys (NM_001168409.2, NM_001350464.2, NM_001350465.2 and 3 more transcripts); c.1273C>T, p.Arg425Cys (NM_001168410.2, NM_001350470.2, NM_001350473.2 and 1 more transcripts); c.1246C>T, p.Arg416Cys (NM_001350421.2, NM_001350430.2, NM_001350437.2 and 2 more transcripts); c.1249C>T, p.Arg417Cys (NM_001350424.2, NM_001350428.2, NM_001350459.2 and 1 more transcripts); c.1072C>T, p.Arg358Cys (NM_001350461.2, NM_001350463.2, NM_001350468.2); c.1270C>T, p.Arg424Cys (NM_001350472.2); short protein forms R416C, R424C, R358C, R417C, R425C, R966C, R359C, R439C.
Identifiers: ClinVar variation 930473 (VCV000930473.9), dbSNP rs764444309, ClinGen allele CA3886063.